The following is an entry in ClinVar:

NM_002439.5(MSH3):c.242del (p.Thr81fs)

Gene: MSH3 (mutS homolog 3; plus strand). Cytogenetic location: 5q14.1.
Variant type: Deletion.
Coding change: c.242del on transcript NM_002439.5 (MANE Select); coding-DNA position 242, one base deleted (C; older notation c.242delC).
Protein change: p.Thr81fs; shifts the reading frame from threonine 81.
Molecular consequence: frameshift variant.
Genome position (GRCh38, 1-based): chr5:80,656,415, C deleted. VCF-style (leftmost placement, unchanged base first): chr5-80656414-AC-A. GRCh37 (hg19) VCF-style: chr5-79952233-AC-A.
Other names: short protein forms T81fs.
Identifiers: ClinVar variation 1070750 (VCV001070750.12), dbSNP rs752795642, ClinGen allele CA3327550.
Genomic context (GRCh38, chr5:80,656,414, plus strand): 5'-ACGTCAGGCCTTCTCAGAGTAGAGATAACACATCATTTTCTAACCTTCCCGATATAGGCT[AC>A]AGAAATTGACAGAAGAAAGAAGAGACCATTGGAAAATGATGGGCCTGTTAAAAAGAAAGT-3'

ClinVar aggregate classification (germline): Pathogenic/Likely pathogenic. Review status: criteria provided, multiple submitters, no conflicts (2 of 4 stars). 4 submissions from 4 submitters: Pathogenic (3); Likely pathogenic (1). Last evaluated 2025-07-30.

Conditions:
Familial adenomatous polyposis 4 (FAP4). Also called: MSH3-related attenuated familial adenomatous polyposis. Identifiers: Orphanet 480536, MedGen C4310719, MONDO:0044300, OMIM 617100.
Hereditary cancer-predisposing syndrome. Also called: Tumor predisposition; Hereditary neoplastic syndrome; Neoplastic Syndromes, Hereditary; Hereditary Cancer Syndrome. Identifiers: Orphanet 140162, MedGen C0027672, MeSH D009386, MONDO:0015356.
Endometrial carcinoma. Also called: Endometrial carcinoma, somatic. Identifiers: MedGen C0476089, MONDO:0002447, OMIM 608089, HP:0012114.

Allele frequency attached by ClinVar (database versions not stated): gnomAD exomes below 0.00001; ExAC 0.00001.

Submissions (4):

Labcorp Genetics (formerly Invitae), Labcorp
Classification: Pathogenic. Last evaluated: 2025-07-30. Review status: criteria provided, single submitter. Criteria: Invitae Variant Classification Sherloc (09022015). Collection method: clinical testing. Allele origin: germline.
Comment: This sequence change creates a premature translational stop signal (p.Thr81Lysfs*21) in the MSH3 gene. It is expected to result in an absent or disrupted protein product. Loss-of-function variants in MSH3 are known to be pathogenic (PMID: 27476653, 37402566). This variant is present in population databases (rs752795642, gnomAD 0.0009%). This variant has not been reported in the literature in individuals affected with MSH3-related conditions. ClinVar contains an entry for this variant (Variation ID: 1070750). For these reasons, this variant has been classified as Pathogenic.

Ambry Genetics
Classification: Pathogenic for Hereditary cancer-predisposing syndrome. Last evaluated: 2025-03-03. Review status: criteria provided, single submitter. Criteria: Ambry Variant Classification Scheme 2023. Collection method: clinical testing. Allele origin: germline.
Comment: The c.242delC pathogenic mutation, located in coding exon 2 of the MSH3 gene, results from a deletion of one nucleotide at nucleotide position 242, causing a translational frameshift with a predicted alternate stop codon (p.T81Kfs*21). This variant is considered to be rare based on population cohorts in the Genome Aggregation Database (gnomAD). This alteration is expected to result in loss of function by premature protein truncation or nonsense-mediated mRNA decay. As such, this alteration is interpreted as a disease-causing mutation.

Baylor Genetics
Classification: Likely pathogenic for Endometrial carcinoma. Last evaluated: 2023-10-13. Review status: criteria provided, single submitter. Criteria: ACMG Guidelines, 2015. Collection method: clinical testing. Allele origin: unknown.

Myriad Genetics, Inc.
Classification: Pathogenic for Familial adenomatous polyposis 4. Last evaluated: 2023-08-29. Review status: criteria provided, single submitter. Criteria: Myriad Autosomal Dominant, Autosomal Recessive and X-Linked Classification Criteria (2023). Collection method: clinical testing. Allele origin: unknown.
Comment: This variant is considered pathogenic. This variant creates a frameshift predicted to result in premature protein truncation.

Literature cited by the submitters: PubMed 27476653 (cited by Labcorp Genetics (formerly Invitae), Labcorp); PubMed 37402566 (cited by Labcorp Genetics (formerly Invitae), Labcorp).